The following is an entry in ClinVar:

NM_020435.4(GJC2):c.601C>T (p.Arg201Trp)

Gene: GJC2 (gap junction protein gamma 2; plus strand). Cytogenetic location: 1q42.13.
Variant type: single nucleotide variant.
Coding change: c.601C>T on transcript NM_020435.4 (MANE Select); coding-DNA position 601, C replaced by T.
Protein change: p.Arg201Trp; replaces arginine 201 with tryptophan.
Molecular consequence: missense variant.
Genome position (GRCh38, 1-based): chr1:228,158,359, C>T. VCF-style: chr1-228158359-C-T. GRCh37 (hg19) VCF-style: chr1-228346060-C-T.
Other names: short protein forms R201W.
Identifiers: ClinVar variation 2162443 (VCV002162443.4), dbSNP rs2034717615, ClinGen allele CA345098734.

ClinVar aggregate classification (germline): Uncertain significance (1 of 4 stars; one submission).

Conditions:
Spastic paraplegia. Identifiers: MedGen C0037772, HP:0001258.

Allele frequency attached by ClinVar (database versions not stated): TOPMed below 0.00001.
gnomAD v4.1: 7 of 1,592,622 alleles (0.00044%); highest among the groups gnomAD compares: Non-Finnish European, 0.00043%; no homozygotes.

Submission:

Labcorp Genetics (formerly Invitae), Labcorp
Classification: Uncertain significance for Spastic paraplegia. Last evaluated: 2022-10-03. Review status: criteria provided, single submitter. Criteria: Invitae Variant Classification Sherloc (09022015). Collection method: clinical testing. Allele origin: germline.
Comment: This sequence change replaces arginine, which is basic and polar, with tryptophan, which is neutral and slightly polar, at codon 201 of the GJC2 protein (p.Arg201Trp). In summary, the available evidence is currently insufficient to determine the role of this variant in disease. Therefore, it has been classified as a Variant of Uncertain Significance. Algorithms developed to predict the effect of missense changes on protein structure and function (SIFT, PolyPhen-2, Align-GVGD) all suggest that this variant is likely to be disruptive. This variant has not been reported in the literature in individuals affected with GJC2-related conditions. This variant is not present in population databases (gnomAD no frequency).